The following is an entry in ClinVar:

NM_024649.5(BBS1):c.752del (p.Leu251fs)

Genes: BBS1 (Bardet-Biedl syndrome 1; plus strand), ZDHHC24 (zDHHC palmitoyltransferase 24; minus strand). Cytogenetic location: 11q13.2.
Variant type: Deletion.
Coding change: c.752del on transcript NM_024649.5 (MANE Select); coding-DNA position 752, one base deleted (T; older notation c.752delT).
Protein change: p.Leu251fs; shifts the reading frame from leucine 251.
Molecular consequence: frameshift variant. On other transcripts: 3 prime UTR variant (1).
Genome position (GRCh38, 1-based): chr11:66,521,298, T deleted. VCF-style (leftmost placement, unchanged base first): chr11-66521297-CT-C. GRCh37 (hg19) VCF-style: chr11-66288768-CT-C.
Other names: c.752delT (NM_024649.5); c.*190del (NM_001348571.2); short protein forms L251fs.
Identifiers: ClinVar variation 1299581 (VCV001299581.4), dbSNP rs2134784600, ClinGen allele CA2499221204.
Genomic context (GRCh38, chr11:66,521,297, plus strand): 5'-AGAAATTGGAGTGTTTGCGCTTCTTGTTTGCAGATGAGCCTTCCCAGCGTCCCCGTCTTC[CT>C]AGAGGTTTCTGGCCAGTTTGATGTTGAGTTCCGGCTTGCCGCGGCCTGCCGCAATGGAAA-3'

ClinVar aggregate classification (germline): Pathogenic/Likely pathogenic. Review status: criteria provided, multiple submitters, no conflicts (2 of 4 stars). 3 submissions from 3 submitters: Pathogenic (2); Likely pathogenic (1). Last evaluated 2025-12-09.

Conditions:
Bardet-Biedl syndrome 1 (BBS1). Identifiers: MedGen C2936862, MONDO:0008854, OMIM 209900. Disease mechanism: loss of function.
Bardet-Biedl syndrome (BBS). Identifiers: Orphanet 110, MedGen C0752166, MONDO:0015229.

Allele frequency attached by ClinVar (database versions not stated): gnomAD exomes below 0.00001.

Submissions (3):

Labcorp Genetics (formerly Invitae), Labcorp
Classification: Pathogenic for Bardet-Biedl syndrome. Last evaluated: 2025-12-09. Review status: criteria provided, single submitter. Criteria: Invitae Variant Classification Sherloc (09022015). Collection method: clinical testing. Allele origin: germline.
Comment: This sequence change creates a premature translational stop signal (p.Leu251Glnfs*25) in the BBS1 gene. It is expected to result in an absent or disrupted protein product. Loss-of-function variants in BBS1 are known to be pathogenic (PMID: 12118255, 21520335, 27032803). This variant is not present in population databases (gnomAD no frequency). This variant has not been reported in the literature in individuals affected with BBS1-related conditions. ClinVar contains an entry for this variant (Variation ID: 1299581). For these reasons, this variant has been classified as Pathogenic.

Fulgent Genetics
Classification: Likely pathogenic for Bardet-Biedl syndrome 1. Last evaluated: 2024-02-28. Review status: criteria provided, single submitter. Criteria: ACMG Guidelines, 2015. Collection method: clinical testing. Allele origin: germline.

Laboratory of Medical Genetics, National & Kapodistrian University of Athens
Classification: Pathogenic for Bardet-Biedl syndrome 1. Last evaluated: 2021-10-05. Review status: criteria provided, single submitter. Criteria: ACMG Guidelines, 2015. Collection method: clinical testing. Allele origin: maternal. Affected: yes.
Comment: PVS1, PM2, PP3

Literature cited by the submitters: PubMed 12118255 (cited by Labcorp Genetics (formerly Invitae), Labcorp); PubMed 21520335 (cited by Labcorp Genetics (formerly Invitae), Labcorp); PubMed 27032803 (cited by Labcorp Genetics (formerly Invitae), Labcorp).